The following is an entry in ClinVar:

NM_152564.5(VPS13B):c.3082+9C>G

Gene: VPS13B (vacuolar protein sorting 13 homolog B; plus strand). Cytogenetic location: 8q22.2.
Variant type: single nucleotide variant.
Coding change: c.3082+9C>G on transcript NM_152564.5 (MANE Select); 9 bases into the intron after coding-DNA position 3082, C replaced by G.
Molecular consequence: intron variant.
Genome position (GRCh38, 1-based): chr8:99,391,713, C>G. VCF-style: chr8-99391713-C-G. GRCh37 (hg19) VCF-style: chr8-100403941-C-G.
Other names: c.3082+9C>G (NM_152564.4, NM_017890.5).
Identifiers: ClinVar variation 751739 (VCV000751739.14), dbSNP rs529476662, ClinGen allele CA4823144.

ClinVar aggregate classification (germline): Likely benign. Review status: criteria provided, multiple submitters, no conflicts (2 of 4 stars). 3 submissions from 3 submitters: Likely benign (2). 1 of the submissions does not count toward it. Last evaluated 2025-12-21.

Conditions:
VPS13B-related disorder. Also called: VPS13B-related condition.
Cohen syndrome (COH1). Also called: Cutis verticis gyrata, retinitis pigmentosa, and sensorineural deafness; PEPPER SYNDROME. Identifiers: Orphanet 193, MedGen C0265223, MONDO:0008999, OMIM 216550.

Allele frequency attached by ClinVar (database versions not stated): TOPMed 0.00001; ExAC 0.00004; gnomAD exomes 0.00004; 1000 Genomes Project 30x 0.00016; 1000 Genomes Project 0.00020.
gnomAD v4.1: 58 of 1,613,690 alleles (0.0036%); highest among the groups gnomAD compares: South Asian, 0.033%; no homozygotes.

Submissions (3):

Labcorp Genetics (formerly Invitae), Labcorp
Classification: Likely benign for Cohen syndrome. Last evaluated: 2025-12-21. Review status: criteria provided, single submitter. Criteria: Invitae Variant Classification Sherloc (09022015). Collection method: clinical testing. Allele origin: germline.

Blueprint Genetics
Classification: Likely benign. Last evaluated: 2024-02-29. Review status: criteria provided, single submitter. Criteria: ACMG Guidelines, 2015. Collection method: clinical testing. Allele origin: germline.

PreventionGenetics, part of Exact Sciences
Classification: Likely benign for VPS13B-related condition. Last evaluated: 2023-12-26. Review status: no assertion criteria provided. Collection method: clinical testing. Allele origin: germline. Not counted in ClinVar's aggregate classification.
Comment: This variant is classified as likely benign based on ACMG/AMP sequence variant interpretation guidelines (Richards et al. 2015 PMID: 25741868, with internal and published modifications).